The following is an entry in ClinVar:

ClinVar aggregate classification (germline): Uncertain significance. Review status: criteria provided, multiple submitters, no conflicts (2 of 4 stars). 2 submissions from 2 submitters: Uncertain significance (2). Last evaluated 2025-12-24.

Conditions:
Atrioventricular septal defect 4 (AVSD4). Identifiers: MedGen C3280781, MONDO:0013747, OMIM 614430.

Allele frequency attached by ClinVar (database versions not stated): ExAC 0.00001; gnomAD exomes 0.00001; TOPMed 0.00002; gnomAD 0.00003.
gnomAD v4.1: 14 of 1,614,066 alleles (0.00087%); highest among the groups gnomAD compares: East Asian, 0.0045%; no homozygotes.

Submissions (2):

Labcorp Genetics (formerly Invitae), Labcorp
Classification: Uncertain significance for Atrioventricular septal defect 4. Last evaluated: 2025-12-24. Review status: criteria provided, single submitter. Criteria: Invitae Variant Classification Sherloc (09022015). Collection method: clinical testing. Allele origin: germline.
Comment: This sequence change replaces serine, which is neutral and polar, with leucine, which is neutral and non-polar, at codon 401 of the GATA4 protein (p.Ser401Leu). This variant is present in population databases (rs748130910, gnomAD 0.005%). This missense change has been observed in individual(s) with tetralogy of Fallot (PMID: 39402625). This variant is also known as p.Ser402Leu. ClinVar contains an entry for this variant (Variation ID: 965300). Invitae Evidence Modeling of protein sequence and biophysical properties (such as structural, functional, and spatial information, amino acid conservation, physicochemical variation, residue mobility, and thermodynamic stability) indicates that this missense variant is not expected to disrupt GATA4 protein function with a negative predictive value of 95%. In summary, the available evidence is currently insufficient to determine the role of this variant in disease. Therefore, it has been classified as a Variant of Uncertain Significance.

GeneDx
Classification: Uncertain significance. Last evaluated: 2023-01-06. Review status: criteria provided, single submitter. Criteria: GeneDx Variant Classification Process June 2021. Collection method: clinical testing. Allele origin: germline. Affected: yes.
Comment: Not observed at significant frequency in large population cohorts (gnomAD); In silico analysis supports that this missense variant has a deleterious effect on protein structure/function; Has not been previously published as pathogenic or benign to our knowledge

Literature cited by the submitters: PubMed 39402625 (cited by Labcorp Genetics (formerly Invitae), Labcorp).

NM_001308093.3(GATA4):c.1205C>T (p.Ser402Leu)

Gene: GATA4 (GATA binding protein 4). Cytogenetic location: 8p23.1.
Variant type: single nucleotide variant.
Coding change: c.1205C>T on transcript NM_001308093.3 (MANE Select); coding-DNA position 1205, C replaced by T.
Protein change: p.Ser402Leu; replaces serine 402 with leucine.
Molecular consequence: missense variant.
Genome position (GRCh38, 1-based): chr8:11,758,348, C>T. VCF-style: chr8-11758348-C-T. GRCh37 (hg19) VCF-style: chr8-11615857-C-T.
Other names: c.584C>T, p.Ser195Leu (NM_001308094.2, NM_001374273.1); c.458C>T, p.Ser153Leu (NM_001374274.1); c.1202C>T, p.Ser401Leu (NM_002052.5); short protein forms S195L, S401L, S153L, S402L.
Identifiers: ClinVar variation 965300 (VCV000965300.10), dbSNP rs748130910, ClinGen allele CA4630887.